The following is an entry in ClinVar:

NM_000038.6(APC):c.5722A>C (p.Asn1908His)

Gene: APC (APC regulator of Wnt signaling pathway; plus strand). Cytogenetic location: 5q22.2.
Variant type: single nucleotide variant.
Coding change: c.5722A>C on transcript NM_000038.6 (MANE Select); coding-DNA position 5722, A replaced by C.
Protein change: p.Asn1908His; replaces asparagine 1908 with histidine.
Molecular consequence: missense variant.
Genome position (GRCh38, 1-based): chr5:112,841,316, A>C. VCF-style: chr5-112841316-A-C. GRCh37 (hg19) VCF-style: chr5-112177013-A-C.
Other names: c.5722A>C, p.Asn1908His (NM_001127510.3, NM_001354895.2, NM_001407450.1); c.5668A>C, p.Asn1890His (NM_001127511.3); c.5776A>C, p.Asn1926His (NM_001354896.2, NM_001407447.1, NM_001407448.1 and 1 more transcripts); c.5752A>C, p.Asn1918His (NM_001354897.2); c.5647A>C, p.Asn1883His (NM_001354898.2); c.5638A>C, p.Asn1880His (NM_001354899.2); c.5599A>C, p.Asn1867His (NM_001354900.2); c.5545A>C, p.Asn1849His (NM_001354901.2, NM_001407453.1); and 11 more; short protein forms N1524H, N1867H, N1880H, N1890H, N1936H, N1748H, N1817H, N1825H.
Identifiers: ClinVar variation 1749289 (VCV001749289.2), dbSNP rs2149947481, ClinGen allele CA16033855.

ClinVar aggregate classification (germline): Uncertain significance (1 of 4 stars; one submission).

Conditions:
Hereditary cancer-predisposing syndrome. Also called: Hereditary Cancer Syndrome; Hereditary neoplastic syndrome; Neoplastic Syndromes, Hereditary; Tumor predisposition. Identifiers: Orphanet 140162, MedGen C0027672, MeSH D009386, MONDO:0015356.

Submission:

Ambry Genetics
Classification: Uncertain significance for Hereditary cancer-predisposing syndrome. Last evaluated: 2022-05-24. Review status: criteria provided, single submitter. Criteria: Ambry Variant Classification Scheme 2023. Collection method: clinical testing. Allele origin: germline.
Comment: The p.N1908H variant (also known as c.5722A>C), located in coding exon 15 of the APC gene, results from an A to C substitution at nucleotide position 5722. The asparagine at codon 1908 is replaced by histidine, an amino acid with similar properties. This amino acid position is conserved. In addition, in silico predictors for this gene do not accurately predict pathogenicity. Since supporting evidence is limited at this time, the clinical significance of this alteration remains unclear.